The following is an entry in ClinVar:

NM_033337.3(CAV3):c.146T>C (p.Val49Ala)

Genes: CAV3 (caveolin 3; plus strand), OXTR (oxytocin receptor; minus strand). Cytogenetic location: 3p25.3.
Variant type: single nucleotide variant.
Coding change: c.146T>C on transcript NM_033337.3 (MANE Select); coding-DNA position 146, T replaced by C.
Protein change: p.Val49Ala; replaces valine 49 with alanine.
Molecular consequence: missense variant.
Genome position (GRCh38, 1-based): chr3:8,745,557, T>C. VCF-style: chr3-8745557-T-C. GRCh37 (hg19) VCF-style: chr3-8787243-T-C.
Other names: c.146T>C, p.Val49Ala (NM_001234.5); short protein forms V49A.
Identifiers: ClinVar variation 2009971 (VCV002009971.4), dbSNP rs2470061912, ClinGen allele CA351663170.
Genomic context (GRCh38, chr3:8,745,557, plus strand): 5'-GTTGAGGCTTCCCCTTGCCACCCCTGCAGGTGGATTTTGAAGACGTGATCGCAGAGCCTG[T>C]GGGCACCTACAGCTTTGACGGCGTGTGGAAGGTGAGCTACACCACCTTCACTGTCTCCAA-3'
Protein context (NP_203123.1, residues 39-59): VDFEDVIAEP[Val49Ala]GTYSFDGVWK

ClinVar aggregate classification (germline): Uncertain significance (1 of 4 stars; one submission).

Conditions:
Long QT syndrome (LQTS). Identifiers: MedGen C0023976, MeSH D008133, MONDO:0002442. Disease mechanism: loss of function. Inheritance: Various modes of inheritance.

Submission:

Labcorp Genetics (formerly Invitae), Labcorp
Classification: Uncertain significance for Long QT syndrome. Last evaluated: 2022-06-23. Review status: criteria provided, single submitter. Criteria: Invitae Variant Classification Sherloc (09022015). Collection method: clinical testing. Allele origin: germline.
Comment: In summary, the available evidence is currently insufficient to determine the role of this variant in disease. Therefore, it has been classified as a Variant of Uncertain Significance. Algorithms developed to predict the effect of missense changes on protein structure and function (SIFT, PolyPhen-2, Align-GVGD) all suggest that this variant is likely to be tolerated. This variant has not been reported in the literature in individuals affected with CAV3-related conditions. This variant is not present in population databases (gnomAD no frequency). This sequence change replaces valine, which is neutral and non-polar, with alanine, which is neutral and non-polar, at codon 49 of the CAV3 protein (p.Val49Ala).